The following is an entry in ClinVar:

ClinVar aggregate classification (germline): Uncertain significance (1 of 4 stars; one submission).

Allele frequency attached by ClinVar (database versions not stated): gnomAD exomes 0.00001 and 0.00004; ExAC 0.00004.

Submission:

Labcorp Genetics (formerly Invitae), Labcorp
Classification: Uncertain significance. Last evaluated: 2024-02-23. Review status: criteria provided, single submitter. Criteria: Invitae Variant Classification Sherloc (09022015). Collection method: clinical testing. Allele origin: germline.
Comment: This sequence change replaces serine, which is neutral and polar, with phenylalanine, which is neutral and non-polar, at codon 1331 of the TUBGCP6 protein (p.Ser1331Phe). This variant is present in population databases (rs779731873, gnomAD 0.04%). This variant has not been reported in the literature in individuals affected with TUBGCP6-related conditions. ClinVar contains an entry for this variant (Variation ID: 1345254). An algorithm developed to predict the effect of missense changes on protein structure and function (PolyPhen-2) suggests that this variant is likely to be tolerated. In summary, the available evidence is currently insufficient to determine the role of this variant in disease. Therefore, it has been classified as a Variant of Uncertain Significance.

NM_020461.4(TUBGCP6):c.3992C>T (p.Ser1331Phe)

Gene: TUBGCP6 (tubulin gamma complex component 6; minus strand). Cytogenetic location: 22q13.33.
Variant type: single nucleotide variant.
Coding change: c.3992C>T on transcript NM_020461.4 (MANE Select); coding-DNA position 3992, C replaced by T.
Protein change: p.Ser1331Phe; replaces serine 1331 with phenylalanine.
Molecular consequence: missense variant.
Genome position (GRCh38, 1-based): chr22:50,220,367, G>A on the plus strand (C>T on the coding strand, the complement: TUBGCP6 is on the minus strand). VCF-style: chr22-50220367-G-A. GRCh37 (hg19) VCF-style: chr22-50658796-G-A.
Other names: short protein forms S1331F.
Identifiers: ClinVar variation 1345254 (VCV001345254.5), dbSNP rs779731873, ClinGen allele CA10307768.